The following is an entry in ClinVar:

ClinVar aggregate classification (germline): Benign (0 of 4 stars; one submission).

Conditions:
MEI1-related disorder. Also called: MEI1-related condition.

Allele frequency attached by ClinVar (database versions not stated): gnomAD exomes 0.00112; ExAC 0.00367; gnomAD 0.01143; TOPMed 0.01252; ESP Exome Variant Server 0.01299; 1000 Genomes Project 0.01438; 1000 Genomes Project 30x 0.01577.
gnomAD v4.1: 3,423 of 1,613,968 alleles (0.21%); highest among the groups gnomAD compares: African/African-American, 4.1%; 57 homozygotes.

Submission:

PreventionGenetics, part of Exact Sciences
Classification: Benign for MEI1-related condition. Last evaluated: 2019-02-22. Review status: no assertion criteria provided. Collection method: clinical testing. Allele origin: germline.
Comment: This variant is classified as benign based on ACMG/AMP sequence variant interpretation guidelines (Richards et al. 2015 PMID: 25741868, with internal and published modifications).

NM_152513.4(MEI1):c.2557T>A (p.Ser853Thr)

Gene: MEI1 (meiotic double-stranded break formation protein 1; plus strand). Cytogenetic location: 22q13.2.
Variant type: single nucleotide variant.
Coding change: c.2557T>A on transcript NM_152513.4 (MANE Select); coding-DNA position 2557, T replaced by A.
Protein change: p.Ser853Thr; replaces serine 853 with threonine.
Molecular consequence: missense variant.
Genome position (GRCh38, 1-based): chr22:41,776,114, T>A. VCF-style: chr22-41776114-T-A. GRCh37 (hg19) VCF-style: chr22-42172118-T-A.
Other names: short protein forms S853T.
Identifiers: ClinVar variation 3038192 (VCV003038192.2), dbSNP rs17002665, ClinGen allele CA10260573.
Genomic context (GRCh38, chr22:41,776,114, plus strand): 5'-CCCAACTGCAGTACCCTCTGATCTCTGGCTTTCTTCTCTCCTGCTCAGGACCTCATCTAT[T>A]CCAGCCCAGTGGACACAGCTCACAAGGTACTGATTAGCCTGAGGACCTTCCTGAGGAGGA-3'
Protein context (NP_689726.3, residues 843-863): ILLILLDLIY[Ser853Thr]SPVDTAHKVL